The following is an entry in ClinVar:

ClinVar aggregate classification (germline): Uncertain significance (1 of 4 stars; one submission).

Conditions:
Cohen syndrome (COH1). Also called: PEPPER SYNDROME; Cutis verticis gyrata, retinitis pigmentosa, and sensorineural deafness. Identifiers: Orphanet 193, MedGen C0265223, MONDO:0008999, OMIM 216550.

Allele frequency attached by ClinVar (database versions not stated): gnomAD 0.00001; ExAC 0.00002; 1000 Genomes Project 0.00020; 1000 Genomes Project 30x 0.00031.
gnomAD v4.1: 5 of 1,614,028 alleles (0.00031%); highest among the groups gnomAD compares: South Asian, 0.0055%; no homozygotes.

Submission:

Labcorp Genetics (formerly Invitae), Labcorp
Classification: Uncertain significance for Cohen syndrome. Last evaluated: 2022-04-11. Review status: criteria provided, single submitter. Criteria: Invitae Variant Classification Sherloc (09022015). Collection method: clinical testing. Allele origin: germline.
Comment: This sequence change replaces proline, which is neutral and non-polar, with histidine, which is basic and polar, at codon 1423 of the VPS13B protein (p.Pro1423His). This variant is present in population databases (rs568192794, gnomAD 0.006%). This variant has not been reported in the literature in individuals affected with VPS13B-related conditions. Algorithms developed to predict the effect of missense changes on protein structure and function are either unavailable or do not agree on the potential impact of this missense change (SIFT: "Not Available"; PolyPhen-2: "Possibly Damaging"; Align-GVGD: "Not Available"). In summary, the available evidence is currently insufficient to determine the role of this variant in disease. Therefore, it has been classified as a Variant of Uncertain Significance.

NM_017890.5(VPS13B):c.4268C>A (p.Pro1423His)

Gene: VPS13B (vacuolar protein sorting 13 homolog B; plus strand). Cytogenetic location: 8q22.2.
Variant type: single nucleotide variant.
Coding change: c.4268C>A on transcript NM_017890.5 (MANE Plus Clinical); coding-DNA position 4268, C replaced by A.
Protein change: p.Pro1423His; replaces proline 1423 with histidine.
Molecular consequence: missense variant. On other transcripts: intron variant (1).
Genome position (GRCh38, 1-based): chr8:99,507,880, C>A. VCF-style: chr8-99507880-C-A. GRCh37 (hg19) VCF-style: chr8-100520108-C-A.
Other names: c.4224+677C>A (NM_152564.5); short protein forms P1423H.
Identifiers: ClinVar variation 2140374 (VCV002140374.1), dbSNP rs568192794, ClinGen allele CA4823478.